The following is an entry in ClinVar:

ClinVar aggregate classification (germline): Uncertain significance (1 of 4 stars; one submission).

Allele frequency attached by ClinVar (database versions not stated): gnomAD exomes 0.00001 and 0.00002.
gnomAD v4.1: 23 of 1,592,922 alleles (0.0014%); highest among the groups gnomAD compares: Non-Finnish European, 0.002%; no homozygotes.

Submission:

Labcorp Genetics (formerly Invitae), Labcorp
Classification: Uncertain significance. Last evaluated: 2022-08-09. Review status: criteria provided, single submitter. Criteria: Invitae Variant Classification Sherloc (09022015). Collection method: clinical testing. Allele origin: germline.
Comment: This sequence change replaces leucine, which is neutral and non-polar, with proline, which is neutral and non-polar, at codon 1614 of the CDH23 protein (p.Leu1614Pro). The frequency data for this variant in the population databases is considered unreliable, as metrics indicate poor data quality at this position in the gnomAD database. This variant has not been reported in the literature in individuals affected with CDH23-related conditions. ClinVar contains an entry for this variant (Variation ID: 1351563). Algorithms developed to predict the effect of missense changes on protein structure and function are either unavailable or do not agree on the potential impact of this missense change (SIFT: "Deleterious"; PolyPhen-2: "Not Available"; Align-GVGD: "Class C65"). In summary, the available evidence is currently insufficient to determine the role of this variant in disease. Therefore, it has been classified as a Variant of Uncertain Significance.

NM_022124.6(CDH23):c.4841T>C (p.Leu1614Pro)

Gene: CDH23 (cadherin related 23; plus strand). Cytogenetic location: 10q22.1.
Variant type: single nucleotide variant.
Coding change: c.4841T>C on transcript NM_022124.6 (MANE Select); coding-DNA position 4841, T replaced by C.
Protein change: p.Leu1614Pro; replaces leucine 1614 with proline.
Molecular consequence: missense variant.
Genome position (GRCh38, 1-based): chr10:71,741,917, T>C. VCF-style: chr10-71741917-T-C. GRCh37 (hg19) VCF-style: chr10-73501674-T-C.
Other names: short protein forms L1614P.
Identifiers: ClinVar variation 1351563 (VCV001351563.5), dbSNP rs1220666576, ClinGen allele CA377130548.